The following is an entry in ClinVar:

ClinVar aggregate classification (germline): Uncertain significance (1 of 4 stars; one submission).

Conditions:
Epidermolysis bullosa simplex 3, localized or generalized intermediate, with BP230 deficiency (EBS3). Also called: Epidermolysis bullosa simplex, autosomal recessive 2; Epidermolysis bullosa simplex due to BP230 deficiency. Identifiers: Orphanet 412181, MedGen C3809470, MONDO:0014180, OMIM 615425.
Hereditary sensory and autonomic neuropathy type 6. Also called: HSAN VI; Neuropathy, hereditary sensory and autonomic, type VI. Identifiers: Orphanet 314381, MedGen C3539003, MONDO:0013839, OMIM 614653.

Allele frequency attached by ClinVar (database versions not stated): gnomAD exomes below 0.00001 and 0.00001; TOPMed 0.00001.
gnomAD v4.1: 7 of 1,613,942 alleles (0.00043%); highest among the groups gnomAD compares: East Asian, 0.0022%; no homozygotes.

Submission:

Labcorp Genetics (formerly Invitae), Labcorp
Classification: Uncertain significance for Epidermolysis bullosa simplex 3, localized or generalized intermediate, with BP230 deficiency; Hereditary sensory and autonomic neuropathy type 6. Last evaluated: 2018-06-04. Review status: criteria provided, single submitter. Criteria: Invitae Variant Classification Sherloc (09022015). Collection method: clinical testing. Allele origin: germline.
Comment: In summary, the available evidence is currently insufficient to determine the role of this variant in disease. Therefore, it has been classified as a Variant of Uncertain Significance. Algorithms developed to predict the effect of missense changes on protein structure and function are either unavailable or do not agree on the potential impact of this missense change (SIFT: "Deleterious"; PolyPhen-2: "Probably Damaging"; Align-GVGD: "Class C15"). This sequence change replaces leucine with phenylalanine at codon 1445 of the DST protein (p.Leu1445Phe). The leucine residue is highly conserved and there is a small physicochemical difference between leucine and phenylalanine. This variant is not present in population databases (ExAC no frequency). This variant has not been reported in the literature in individuals with DST-related disease.

NM_001723.7(DST):c.4335G>C (p.Leu1445Phe)

Gene: DST (dystonin; minus strand). Cytogenetic location: 6p12.1.
Variant type: single nucleotide variant.
Coding change: c.4335G>C on transcript NM_001723.7 (MANE Plus Clinical); coding-DNA position 4335, G replaced by C.
Protein change: p.Leu1445Phe; replaces leucine 1445 with phenylalanine.
Molecular consequence: missense variant. On other transcripts: intron variant (10).
Genome position (GRCh38, 1-based): chr6:56,619,699, C>G on the plus strand (G>C on the coding strand, the complement: DST is on the minus strand). VCF-style: chr6-56619699-C-G. GRCh37 (hg19) VCF-style: chr6-56484497-C-G.
Other names: c.4830+4831G>C (NM_001144769.5); c.4929+4831G>C (NM_001374722.1, NM_001374736.1); c.4956+4831G>C (NM_001374734.1); c.4416+4831G>C (NM_001144770.2); c.4296+4831G>C (NM_001374730.1, NM_001386100.1, NM_183380.4 and 1 more transcripts); c.3318+4831G>C (NM_015548.5); short protein forms L1445F.
Identifiers: ClinVar variation 578940 (VCV000578940.9), dbSNP rs1340489213, ClinGen allele CA364569910.